The following is an entry in ClinVar:

ClinVar aggregate classification (germline): Conflicting classifications of pathogenicity. Review status: criteria provided, conflicting classifications (1 of 4 stars). 3 submissions from 3 submitters: Likely pathogenic (2); Uncertain significance (1). Last evaluated 2025-01-06.

Conditions:
Fanconi anemia (FA). Also called: Fanconi's anemia. Identifiers: Orphanet 84, MedGen C0015625, MeSH D005199, MONDO:0019391.
Fanconi anemia complementation group C (FANCC). Also called: FANCONI PANCYTOPENIA, TYPE 3; FACC; FANCC-Related Fanconi Anemia; Fanconi anemia, group C. Identifiers: Orphanet 84, MedGen C3468041, MONDO:0009213, OMIM 227645.

Allele frequency attached by ClinVar (database versions not stated): gnomAD exomes below 0.00001; TOPMed below 0.00001.

Submissions (3):

Labcorp Genetics (formerly Invitae), Labcorp
Classification: Uncertain significance for Fanconi anemia. Last evaluated: 2025-01-06. Review status: criteria provided, single submitter. Criteria: Invitae Variant Classification Sherloc (09022015). Collection method: clinical testing. Allele origin: germline.
Comment: This sequence change falls in intron 1 of the FANCC gene. It does not directly change the encoded amino acid sequence of the FANCC protein. It affects a nucleotide within the consensus splice site. This variant is not present in population databases (gnomAD no frequency). This variant has been observed in individual(s) with breast cancer and melanoma (PMID: 26681312). ClinVar contains an entry for this variant (Variation ID: 127527). Variants that disrupt the consensus splice site are a relatively common cause of aberrant splicing (PMID: 17576681, 9536098). Algorithms developed to predict the effect of sequence changes on RNA splicing suggest that this variant may disrupt the consensus splice site. In summary, the available evidence is currently insufficient to determine the role of this variant in disease. Therefore, it has been classified as a Variant of Uncertain Significance.

GeneDx
Classification: Likely pathogenic. Last evaluated: 2023-12-18. Review status: criteria provided, single submitter. Criteria: GeneDx Variant Classification Process June 2021. Collection method: clinical testing. Allele origin: germline. Affected: yes.
Comment: Canonical splice site variant predicted to result in a null allele in a gene for which loss of function is a known mechanism of disease; Reliable data are not available in large population cohorts to assess the frequency of this variant in publicly available databases; however, this variant has not been detected at significant frequency in presumably healthy individuals tested at GeneDx; This variant is associated with the following publications: (PMID: 35273153, 26681312)

Department of Pathology and Laboratory Medicine, Sinai Health System
Classification: Likely pathogenic for Fanconi anemia complementation group C. Review status: criteria provided, single submitter. Criteria: ACMG Guidelines, 2015. Collection method: clinical testing. Allele origin: germline.

Literature cited by the submitters: PubMed 26681312 (cited by Labcorp Genetics (formerly Invitae), Labcorp); PubMed 17576681 (cited by Labcorp Genetics (formerly Invitae), Labcorp); PubMed 9536098 (cited by Labcorp Genetics (formerly Invitae), Labcorp).

NM_000136.3(FANCC):c.-78-2A>G

Gene: FANCC (FA complementation group C; minus strand). Cytogenetic location: 9q22.32.
Variant type: single nucleotide variant.
Coding change: c.-78-2A>G on transcript NM_000136.3 (MANE Select); the canonical splice acceptor site of the intron before 78 bases upstream of the start codon, A replaced by G.
Molecular consequence: splice acceptor variant.
Genome position (GRCh38, 1-based): chr9:95,249,371, T>C on the plus strand (A>G on the coding strand, the complement: FANCC is on the minus strand). VCF-style: chr9-95249371-T-C. GRCh37 (hg19) VCF-style: chr9-98011653-T-C.
Other names: c.-78-2A>G (NM_001243743.2, NM_001243744.2).
Identifiers: ClinVar variation 127527 (VCV000127527.10), dbSNP rs587779898, ClinGen allele CA287176.